The following is an entry in ClinVar:

NM_003738.5(PTCH2):c.1561A>C (p.Ile521Leu)

Gene: PTCH2 (patched 2; minus strand). Cytogenetic location: 1p34.1.
Variant type: single nucleotide variant.
Coding change: c.1561A>C on transcript NM_003738.5 (MANE Select); coding-DNA position 1561, A replaced by C.
Protein change: p.Ile521Leu; replaces isoleucine 521 with leucine.
Molecular consequence: missense variant.
Genome position (GRCh38, 1-based): chr1:44,828,535, T>G on the plus strand (A>C on the coding strand, the complement: PTCH2 is on the minus strand). VCF-style: chr1-44828535-T-G. GRCh37 (hg19) VCF-style: chr1-45294207-T-G.
Other names: c.1561A>C, p.Ile521Leu (NM_001166292.2); short protein forms I521L.
Identifiers: ClinVar variation 1053641 (VCV001053641.9), dbSNP rs1159508966, ClinGen allele CA340100756.

ClinVar aggregate classification (germline): Uncertain significance (1 of 4 stars; one submission).

Conditions:
Gorlin syndrome. Also called: Nevoid Basal Cell Carcinoma Syndrome; Basal cell nevus syndrome. Identifiers: Orphanet 377, MedGen C0004779, MONDO:0007187.

Allele frequency attached by ClinVar (database versions not stated): TOPMed 0.00002; gnomAD 0.00005.
gnomAD v4.1: 9 of 1,613,894 alleles (0.00056%); highest among the groups gnomAD compares: African/African-American, 0.011%; no homozygotes.

Submission:

Labcorp Genetics (formerly Invitae), Labcorp
Classification: Uncertain significance for Gorlin syndrome. Last evaluated: 2020-10-26. Review status: criteria provided, single submitter. Criteria: Invitae Variant Classification Sherloc (09022015). Collection method: clinical testing. Allele origin: germline.
Comment: In summary, the available evidence is currently insufficient to determine the role of this variant in disease. Therefore, it has been classified as a Variant of Uncertain Significance. Algorithms developed to predict the effect of missense changes on protein structure and function are either unavailable or do not agree on the potential impact of this missense change (SIFT: "Deleterious"; PolyPhen-2: "Possibly Damaging"; Align-GVGD: "Class C0"). This variant has not been reported in the literature in individuals with PTCH2-related conditions. This variant is not present in population databases (ExAC no frequency). This sequence change replaces isoleucine with leucine at codon 521 of the PTCH2 protein (p.Ile521Leu). The isoleucine residue is highly conserved and there is a small physicochemical difference between isoleucine and leucine.